The following is an entry in ClinVar:

ClinVar aggregate classification (germline): Conflicting classifications of pathogenicity. Review status: criteria provided, conflicting classifications (1 of 4 stars). 2 submissions from 2 submitters: Uncertain significance (1); Likely benign (1). Last evaluated 2025-12-17.

gnomAD v4.1: 23 of 1,611,228 alleles (0.0014%); highest among the groups gnomAD compares: East Asian, 0.045%; no homozygotes.

Submissions (2):

Labcorp Genetics (formerly Invitae), Labcorp
Classification: Uncertain significance. Last evaluated: 2025-12-17. Review status: criteria provided, single submitter. Criteria: Invitae Variant Classification Sherloc (09022015). Collection method: clinical testing. Allele origin: germline.
Comment: This sequence change replaces serine, which is neutral and polar, with proline, which is neutral and non-polar, at codon 827 of the AP3D1 protein (p.Ser827Pro). This variant is present in population databases (rs753905895, gnomAD 0.02%). This variant has not been reported in the literature in individuals affected with AP3D1-related conditions. ClinVar contains an entry for this variant (Variation ID: 3698982). An algorithm developed to predict the effect of missense changes on protein structure and function outputs the following: PolyPhen-2: "Benign". The proline amino acid residue is found in multiple mammalian species, which suggests that this missense change does not adversely affect protein function. In summary, the available evidence is currently insufficient to determine the role of this variant in disease. Therefore, it has been classified as a Variant of Uncertain Significance.

Blueprint Genetics
Classification: Likely benign. Last evaluated: 2021-08-28. Review status: criteria provided, single submitter. Criteria: ACMG Guidelines, 2015. Collection method: clinical testing. Allele origin: germline.

NM_001261826.3(AP3D1):c.2479T>C (p.Ser827Pro)

Gene: AP3D1 (adaptor related protein complex 3 subunit delta 1; minus strand). Cytogenetic location: 19p13.3.
Variant type: single nucleotide variant.
Coding change: c.2479T>C on transcript NM_001261826.3 (MANE Select); coding-DNA position 2479, T replaced by C.
Protein change: p.Ser827Pro; replaces serine 827 with proline.
Molecular consequence: missense variant.
Genome position (GRCh38, 1-based): chr19:2,114,247, A>G on the plus strand (T>C on the coding strand, the complement: AP3D1 is on the minus strand). VCF-style: chr19-2114247-A-G. GRCh37 (hg19) VCF-style: chr19-2114246-A-G.
Other names: c.2479T>C, p.Ser827Pro (NM_001374799.1, NM_003938.8); short protein forms S827P.
Identifiers: ClinVar variation 3698982 (VCV003698982.3).
Genomic context (GRCh38, chr19:2,114,247, plus strand): 5'-TCTTCTTGGGTTTCTTGCTCTTCTTTTCTACCATGGGAACGTCCTTCTCAGGGGATTTTG[A>G]GGTCTCGGTGTTTCTGTGTTTCTGAATAGGCAGTTTCTCGCTGTCGGCTAAGGGCCTGGA-3'
Protein context (NP_001248755.1, residues 817-837): PIQKHRNTET[Ser827Pro]KSPEKDVPMV